The following is an entry in ClinVar:

ClinVar aggregate classification (germline): Uncertain significance (1 of 4 stars; one submission).

Conditions:
Hereditary cancer-predisposing syndrome. Also called: Neoplastic Syndromes, Hereditary; Tumor predisposition; Hereditary Cancer Syndrome; Hereditary neoplastic syndrome. Identifiers: Orphanet 140162, MedGen C0027672, MeSH D009386, MONDO:0015356.

Submission:

Ambry Genetics
Classification: Uncertain significance for Hereditary cancer-predisposing syndrome. Last evaluated: 2020-10-30. Review status: criteria provided, single submitter. Criteria: Ambry Variant Classification Scheme 2023. Collection method: clinical testing. Allele origin: germline.
Comment: The p.S293C variant (also known as c.878C>G), located in coding exon 7 of the CDK4 gene, results from a C to G substitution at nucleotide position 878. The serine at codon 293 is replaced by cysteine, an amino acid with dissimilar properties. This amino acid position is not well conserved in available vertebrate species. In addition, this alteration is predicted to be tolerated by in silico analysis. Since supporting evidence is limited at this time, the clinical significance of this alteration remains unclear.

NM_000075.4(CDK4):c.878C>G (p.Ser293Cys)

Genes: CDK4 (cyclin dependent kinase 4; minus strand), TSPAN31 (tetraspanin 31; plus strand). Cytogenetic location: 12q14.1.
Variant type: single nucleotide variant.
Coding change: c.878C>G on transcript NM_000075.4 (MANE Select); coding-DNA position 878, C replaced by G.
Protein change: p.Ser293Cys; replaces serine 293 with cysteine.
Molecular consequence: missense variant. On other transcripts: 3 prime UTR variant (3).
Genome position (GRCh38, 1-based): chr12:57,748,559, G>C on the plus strand (C>G on the coding strand, the complement: CDK4 is on the minus strand). VCF-style: chr12-57748559-G-C. GRCh37 (hg19) VCF-style: chr12-58142342-G-C.
Other names: c.*1269G>C (NM_001330168.2, NM_001330169.2, NM_005981.5); short protein forms S293C.
Identifiers: ClinVar variation 1764657 (VCV001764657.2), dbSNP rs2140381078, ClinGen allele CA385542325.